The following is an entry in ClinVar:

NM_002161.6(IARS1):c.2548A>G (p.Ile850Val)

Gene: IARS1 (isoleucyl-tRNA synthetase 1; minus strand). Cytogenetic location: 9q22.31.
Variant type: single nucleotide variant.
Coding change: c.2548A>G on transcript NM_002161.6 (MANE Select); coding-DNA position 2548, A replaced by G.
Protein change: p.Ile850Val; replaces isoleucine 850 with valine.
Molecular consequence: missense variant. On other transcripts: non-coding transcript variant (1).
Genome position (GRCh38, 1-based): chr9:92,249,926, T>C on the plus strand (A>G on the coding strand, the complement: IARS1 is on the minus strand). VCF-style: chr9-92249926-T-C. GRCh37 (hg19) VCF-style: chr9-95012208-T-C.
Other names: c.2548A>G, p.Ile850Val (NM_001378572.1, NM_001378573.1, NM_001378574.1 and 9 more transcripts); c.2548A>G (NM_013417.2); c.2452A>G, p.Ile818Val (NM_001378582.1); c.2425A>G, p.Ile809Val (NM_001378583.1); c.2473A>G, p.Ile825Val (NM_001378584.1, NM_001374299.1, NM_001374300.1); c.2464A>G, p.Ile822Val (NM_001374301.1); c.2611A>G, p.Ile871Val (NM_001378569.1); c.2569A>G, p.Ile857Val (NM_001378571.1); short protein forms I809V, I818V, I857V, I825V, I850V, I822V, I871V.
Identifiers: ClinVar variation 1938509 (VCV001938509.6), dbSNP rs1829767841, ClinGen allele CA373812548.

ClinVar aggregate classification (germline): Uncertain significance. Review status: criteria provided, multiple submitters, no conflicts (2 of 4 stars). 2 submissions from 2 submitters: Uncertain significance (2). Last evaluated 2025-06-06.

Allele frequency attached by ClinVar (database versions not stated): gnomAD exomes below 0.00001; TOPMed below 0.00001.
gnomAD v4.1: 3 of 1,603,340 alleles (0.00019%); highest among the groups gnomAD compares: Admixed American, 0.0033%; no homozygotes.

Submissions (2):

Ambry Genetics
Classification: Uncertain significance. Last evaluated: 2025-06-06. Review status: criteria provided, single submitter. Criteria: Ambry Variant Classification Scheme 2023. Collection method: clinical testing. Allele origin: germline.

Labcorp Genetics (formerly Invitae), Labcorp
Classification: Uncertain significance. Last evaluated: 2022-05-27. Review status: criteria provided, single submitter. Criteria: Invitae Variant Classification Sherloc (09022015). Collection method: clinical testing. Allele origin: germline.
Comment: In summary, the available evidence is currently insufficient to determine the role of this variant in disease. Therefore, it has been classified as a Variant of Uncertain Significance. Algorithms developed to predict the effect of missense changes on protein structure and function output the following: SIFT: "Tolerated"; PolyPhen-2: "Benign"; Align-GVGD: "Class C0". The valine amino acid residue is found in multiple mammalian species, which suggests that this missense change does not adversely affect protein function. This variant has not been reported in the literature in individuals affected with IARS-related conditions. This variant is not present in population databases (gnomAD no frequency). This sequence change replaces isoleucine, which is neutral and non-polar, with valine, which is neutral and non-polar, at codon 850 of the IARS protein (p.Ile850Val).